The following is an entry in ClinVar:

NM_001101426.4(CRPPA):c.320G>T (p.Ser107Ile)

Gene: CRPPA (CDP-L-ribitol pyrophosphorylase A; minus strand). Cytogenetic location: 7p21.2.
Variant type: single nucleotide variant.
Coding change: c.320G>T on transcript NM_001101426.4 (MANE Select); coding-DNA position 320, G replaced by T.
Protein change: p.Ser107Ile; replaces serine 107 with isoleucine.
Molecular consequence: missense variant. On other transcripts: non-coding transcript variant (1).
Genome position (GRCh38, 1-based): chr7:16,406,275, C>A on the plus strand (G>T on the coding strand, the complement: CRPPA is on the minus strand). VCF-style: chr7-16406275-C-A. GRCh37 (hg19) VCF-style: chr7-16445900-C-A.
Other names: c.320G>T, p.Ser107Ile (NM_001101417.4, NM_001368197.1); short protein forms S107I.
Identifiers: ClinVar variation 285066 (VCV000285066.20), dbSNP rs199691459, ClinGen allele CA4169634.

ClinVar aggregate classification (germline): Conflicting classifications of pathogenicity. Review status: criteria provided, conflicting classifications (1 of 4 stars). 6 submissions from 6 submitters: Uncertain significance (5); Likely benign (1). Last evaluated 2025-06-25.

Conditions:
Congenital Muscular Dystrophy, alpha-dystroglycan related.
Autosomal recessive limb-girdle muscular dystrophy type 2U. Also called: Muscular dystrophy-dystroglycanopathy (limb-girdle), type c, 7; MUSCULAR DYSTROPHY, LIMB-GIRDLE, TYPE 2U. Identifiers: Orphanet 352479, MedGen C5190987, MONDO:0014474, OMIM 616052.
Muscular dystrophy-dystroglycanopathy (congenital with brain and eye anomalies), type A, 7. Also called: WALKER-WARBURG SYNDROME OR MUSCLE-EYE-BRAIN DISEASE, ISPD-RELATED; Congenital muscular dystrophy-dystroglycanopathy with brain and eye anomalies, type A7. Identifiers: Orphanet 899, MedGen C3553330, MONDO:0013835, OMIM 614643.

Allele frequency attached by ClinVar (database versions not stated): ExAC 0.00008; gnomAD 0.00010; gnomAD exomes 0.00011; TOPMed 0.00012; ESP Exome Variant Server 0.00017.
gnomAD v4.1: 385 of 1,613,754 alleles (0.024%); highest among the groups gnomAD compares: Non-Finnish European, 0.03%; no homozygotes.

Submissions (6):

Ambry Genetics
Classification: Uncertain significance. Last evaluated: 2025-06-25. Review status: criteria provided, single submitter. Criteria: Ambry Variant Classification Scheme 2023. Collection method: clinical testing. Allele origin: germline.

Blueprint Genetics
Classification: Likely benign. Last evaluated: 2024-07-24. Review status: criteria provided, single submitter. Criteria: ACMG Guidelines, 2015. Collection method: clinical testing. Allele origin: germline.

Revvity Omics, Revvity
Classification: Uncertain significance. Last evaluated: 2024-05-10. Review status: criteria provided, single submitter. Criteria: ACMG Guidelines, 2015. Collection method: clinical testing. Allele origin: germline.

Labcorp Genetics (formerly Invitae), Labcorp
Classification: Uncertain significance for Muscular dystrophy-dystroglycanopathy (congenital with brain and eye anomalies), type A, 7; Autosomal recessive limb-girdle muscular dystrophy type 2U. Last evaluated: 2022-07-30. Review status: criteria provided, single submitter. Criteria: Invitae Variant Classification Sherloc (09022015). Collection method: clinical testing. Allele origin: germline.
Comment: This sequence change replaces serine, which is neutral and polar, with isoleucine, which is neutral and non-polar, at codon 107 of the ISPD protein (p.Ser107Ile). This variant is present in population databases (rs199691459, gnomAD 0.04%). This variant has not been reported in the literature in individuals affected with ISPD-related conditions. ClinVar contains an entry for this variant (Variation ID: 285066). Algorithms developed to predict the effect of missense changes on protein structure and function (SIFT, PolyPhen-2, Align-GVGD) all suggest that this variant is likely to be tolerated. In summary, the available evidence is currently insufficient to determine the role of this variant in disease. Therefore, it has been classified as a Variant of Uncertain Significance.

Illumina Laboratory Services, Illumina
Classification: Uncertain significance for Congenital Muscular Dystrophy, alpha-dystroglycan related. Last evaluated: 2017-04-27. Review status: criteria provided, single submitter. Criteria: ICSL Variant Classification Criteria 13 December 2019. Collection method: clinical testing. Allele origin: germline.

Eurofins Ntd Llc (ga)
Classification: Uncertain significance. Last evaluated: 2015-12-10. Review status: criteria provided, single submitter. Criteria: EGL Classification Definitions 2015. Collection method: clinical testing. Allele origin: germline. Observed: 1 variant allele, 1 heterozygote.